The following is an entry in ClinVar:

NM_205861.3(DHDDS):c.772del (p.Arg258fs)

Gene: DHDDS (dehydrodolichyl diphosphate synthase subunit; plus strand). Cytogenetic location: 1p36.11.
Variant type: Deletion.
Coding change: c.772del on transcript NM_205861.3 (MANE Select); coding-DNA position 772, one base deleted (C; older notation c.772delC).
Protein change: p.Arg258fs; shifts the reading frame from arginine 258.
Molecular consequence: frameshift variant.
Genome position (GRCh38, 1-based): chr1:26,468,901, C deleted; the last of 3 consecutive C bases (chr1:26,468,899-26,468,901); deleting any one gives the same sequence. VCF-style (leftmost placement, unchanged base first): chr1-26468898-GC-G. GRCh37 (hg19) VCF-style: chr1-26795389-GC-G.
Other names: c.670del, p.Arg224fs (NM_001243564.2); c.655del, p.Arg219fs (NM_001243565.2); c.493del, p.Arg165fs (NM_001319959.2); c.775del, p.Arg259fs (NM_024887.4); short protein forms R219fs, R165fs, R224fs, R258fs, R259fs.
Identifiers: ClinVar variation 2117078 (VCV002117078.1), dbSNP rs2524813865, ClinGen allele CA2580062619.

ClinVar aggregate classification (germline): Uncertain significance (1 of 4 stars; one submission).

Conditions:
Retinitis pigmentosa 59 (RP59). Identifiers: Orphanet 791, MedGen C3151227, MONDO:0013468, OMIM 613861.

Submission:

Labcorp Genetics (formerly Invitae), Labcorp
Classification: Uncertain significance for Retinitis pigmentosa 59. Last evaluated: 2022-05-05. Review status: criteria provided, single submitter. Criteria: Invitae Variant Classification Sherloc (09022015). Collection method: clinical testing. Allele origin: germline.
Comment: This sequence change creates a premature translational stop signal (p.Arg259Glufs*20) in the DHDDS gene. While this is not anticipated to result in nonsense mediated decay, it is expected to disrupt the last 76 amino acid(s) of the DHDDS protein. This variant is not present in population databases (gnomAD no frequency). This variant has not been reported in the literature in individuals affected with DHDDS-related conditions. Experimental studies and prediction algorithms are not available or were not evaluated, and the functional significance of this variant is currently unknown. In summary, the available evidence is currently insufficient to determine the role of this variant in disease. Therefore, it has been classified as a Variant of Uncertain Significance.